The following is an entry in ClinVar:

NM_020401.4(NUP107):c.996A>C (p.Lys332Asn)

Gene: NUP107 (nucleoporin 107; plus strand). Cytogenetic location: 12q15.
Variant type: single nucleotide variant.
Coding change: c.996A>C on transcript NM_020401.4 (MANE Select); coding-DNA position 996, A replaced by C.
Protein change: p.Lys332Asn; replaces lysine 332 with asparagine.
Molecular consequence: missense variant.
Genome position (GRCh38, 1-based): chr12:68,715,653, A>C. VCF-style: chr12-68715653-A-C. GRCh37 (hg19) VCF-style: chr12-69109433-A-C.
Other names: c.909A>C, p.Lys303Asn (NM_001330192.2); short protein forms K303N, K332N.
Identifiers: ClinVar variation 1351469 (VCV001351469.6), dbSNP rs2136025440, ClinGen allele CA385692507.

ClinVar aggregate classification (germline): Uncertain significance (1 of 4 stars; one submission).

Submission:

Labcorp Genetics (formerly Invitae), Labcorp
Classification: Uncertain significance. Last evaluated: 2022-03-04. Review status: criteria provided, single submitter. Criteria: Invitae Variant Classification Sherloc (09022015). Collection method: clinical testing. Allele origin: germline.
Comment: Algorithms developed to predict the effect of missense changes on protein structure and function are either unavailable or do not agree on the potential impact of this missense change (SIFT: "Not Available"; PolyPhen-2: "Probably Damaging"; Align-GVGD: "Not Available"). This variant has not been reported in the literature in individuals affected with NUP107-related conditions. This variant is not present in population databases (gnomAD no frequency). This sequence change replaces lysine, which is basic and polar, with asparagine, which is neutral and polar, at codon 332 of the NUP107 protein (p.Lys332Asn). In summary, the available evidence is currently insufficient to determine the role of this variant in disease. Therefore, it has been classified as a Variant of Uncertain Significance.